The following is an entry in ClinVar:

NM_000944.5(PPP3CA):c.811C>G (p.His271Asp)

Gene: PPP3CA (protein phosphatase 3 catalytic subunit alpha; minus strand). Cytogenetic location: 4q24.
Variant type: single nucleotide variant.
Coding change: c.811C>G on transcript NM_000944.5 (MANE Select); coding-DNA position 811, C replaced by G.
Protein change: p.His271Asp; replaces histidine 271 with aspartic acid.
Molecular consequence: missense variant.
Genome position (GRCh38, 1-based): chr4:101,083,235, G>C on the plus strand (C>G on the coding strand, the complement: PPP3CA is on the minus strand). VCF-style: chr4-101083235-G-C. GRCh37 (hg19) VCF-style: chr4-102004392-G-C.
Other names: c.811C>G, p.His271Asp (NM_001130691.2, NM_001130692.2); short protein forms H271D.
Identifiers: ClinVar variation 3372034 (VCV003372034.1).
Genomic context (GRCh38, chr4:101,083,235, plus strand): 5'-AAACTGCTCACCCTGCATCTTGGGCTTCGTGGGCTCGGAGTATAGATAACAAGTTATTGT[G>C]CTGTAAGAATTCACATACAGCCGGGTAACTGCCAGAGACAAAAAGAAAAGGGAAGCATCT-3'
Protein context (NP_000935.1, residues 261-281): SYPAVCEFLQ[His271Asp]NNLLSILRAH

ClinVar aggregate classification (germline): Uncertain significance (1 of 4 stars; one submission).

gnomAD v4.1: 2 of 1,608,360 alleles (0.00012%); highest among the groups gnomAD compares: African/African-American, 0.0027%; no homozygotes.

Submission:

GeneDx
Classification: Uncertain significance. Last evaluated: 2024-04-05. Review status: criteria provided, single submitter. Criteria: GeneDx Variant Classification Process June 2021. Collection method: clinical testing. Allele origin: germline. Affected: yes.
Comment: Not observed at significant frequency in large population cohorts (gnomAD); In silico analysis indicates that this missense variant does not alter protein structure/function; Has not been previously published as pathogenic or benign to our knowledge